The following is an entry in ClinVar:

NM_005629.4(SLC6A8):c.778-8C>G

Gene: SLC6A8 (solute carrier family 6 member 8; plus strand). Cytogenetic location: Xq28.
Variant type: single nucleotide variant.
Coding change: c.778-8C>G on transcript NM_005629.4 (MANE Select); 8 bases into the intron before coding-DNA position 778, C replaced by G.
Molecular consequence: intron variant.
Genome position (GRCh38, 1-based): chrX:153,693,033, C>G. VCF-style: chrX-153693033-C-G. GRCh37 (hg19) VCF-style: chrX-152958488-C-G.
Other names: c.778-8C>G (NM_001142805.2); c.433-8C>G (NM_001142806.1).
Identifiers: ClinVar variation 511341 (VCV000511341.47), dbSNP rs781860529, ClinGen allele CA10549325.

ClinVar aggregate classification (germline): Benign. Review status: reviewed by expert panel (3 of 4 stars). 5 submissions from 5 submitters: Benign (1). 4 of the submissions do not count toward it. Last evaluated 2026-08-10.

Conditions:
Creatine transporter deficiency (CCDS1). Also called: CEREBRAL CREATINE DEFICIENCY SYNDROME 1; Mental retardation , X-linked with seizures, short stature and midface hypoplasia; Mental retardation , X-linked, with creatine transport deficiency; X-linked creatine transporter deficiency; X-linked creatine deficiency syndrome; SLC6A8-Related Creatine Transporter Deficiency. Identifiers: Orphanet 52503, MedGen C1845862, MONDO:0010305, OMIM 300352.
SLC6A8-related disorder. Also called: SLC6A8-related condition.

Allele frequency attached by ClinVar (database versions not stated): TOPMed 0.00011.
gnomAD v4.1: 104 of 1,208,815 alleles (0.0086%); highest among the groups gnomAD compares: Middle Eastern, 0.11%; no homozygotes.

Submissions (5):

ClinGen Cerebral Creatine Deficiency Syndromes Variant Curation Expert Panel, ClinGen
Classification: Benign for Creatine transporter deficiency. Last evaluated: 2026-08-10. Review status: reviewed by expert panel. Criteria: ClinGen CCDS ACMG Specifications SLC6A8 V2.1. Collection method: curation. Allele origin: germline. Inheritance: X-linked inheritance.
Comment: The NM_005629.4:c.778-8C>G variant in SLC6A8 is an intronic variant affecting a nucleotide within the consensus splice site of intron 4. To our knowledge, this variant has not been reported in the literature and no functional studies are available. In gnomAD v4.1.0., the highest population minor allele frequency is 0.001133 (4/3531 alleles, 7 hemizygotes) in the Middle Eastern population. There are 49 hemizygotes across all populations in gnomAD v4.1.0. meeting the CCDS VCEP's specifications of BA1 (>10 hemizygotes).. In summary, this variant meets criteria to be classified as benign for creatine transporter deficiency. SLC6A8-specific criteria applied, as specified by the ClinGen CCDS VCEP (Specifications Version 1.2.0): BA1 (Classification approved by the ClinGen Cerebral Creatine Deficiency Syndromes Variant Curation Expert Panel on August 10, 2026)

Labcorp Genetics (formerly Invitae), Labcorp
Classification: Benign for Creatine transporter deficiency. Last evaluated: 2026-01-24. Review status: criteria provided, single submitter. Criteria: Invitae Variant Classification Sherloc (09022015). Collection method: clinical testing. Allele origin: germline. Not counted in ClinVar's aggregate classification.

GeneDx
Classification: Uncertain significance. Last evaluated: 2025-12-04. Review status: criteria provided, single submitter. Criteria: GeneDx Variant Classification Process June 2021. Collection method: clinical testing. Allele origin: germline. Affected: yes. Not counted in ClinVar's aggregate classification.
Comment: Has not been previously published as pathogenic or benign to our knowledge; In silico analysis is inconclusive as to whether the variant alters gene splicing. In the absence of RNA/functional studies, the actual effect of this sequence change is unknown.

CeGaT Center for Human Genetics Tuebingen
Classification: Likely benign. Last evaluated: 2022-10-01. Review status: criteria provided, single submitter. Criteria: CeGaT Center For Human Genetics Tuebingen Variant Classification Criteria Version 2. Collection method: clinical testing. Allele origin: germline. Affected: yes. Observed: 2 variant alleles. Not counted in ClinVar's aggregate classification.
Comment: SLC6A8: BP4, BS2

PreventionGenetics, part of Exact Sciences
Classification: Likely benign for SLC6A8-related condition. Last evaluated: 2019-04-29. Review status: no assertion criteria provided. Collection method: clinical testing. Allele origin: germline. Not counted in ClinVar's aggregate classification.
Comment: This variant is classified as likely benign based on ACMG/AMP sequence variant interpretation guidelines (Richards et al. 2015 PMID: 25741868, with internal and published modifications).